The following is an entry in ClinVar:

ClinVar aggregate classification (germline): Uncertain significance (1 of 4 stars; one submission).

Conditions:
Spermatogenic failure 18. Identifiers: MedGen C4539783, MONDO:0054615, OMIM 617576.
Ciliary dyskinesia, primary, 37 (CILD37). Also called: CILIARY DYSKINESIA, PRIMARY, 37, WITH OR WITHOUT SITUS INVERSUS. Identifiers: MedGen C4539798, MONDO:0033204, OMIM 617577.

Allele frequency attached by ClinVar (database versions not stated): gnomAD exomes 0.00001; ExAC 0.00002; gnomAD 0.00003; TOPMed 0.00004.
gnomAD v4.1: 15 of 1,594,332 alleles (0.00094%); highest among the groups gnomAD compares: Admixed American, 0.019%; no homozygotes.

Submission:

Labcorp Genetics (formerly Invitae), Labcorp
Classification: Uncertain significance for Ciliary dyskinesia, primary, 37; Spermatogenic failure 18. Last evaluated: 2024-12-02. Review status: criteria provided, single submitter. Criteria: Invitae Variant Classification Sherloc (09022015). Collection method: clinical testing. Allele origin: germline.
Comment: This sequence change replaces threonine, which is neutral and polar, with methionine, which is neutral and non-polar, at codon 3165 of the DNAH1 protein (p.Thr3165Met). This variant is present in population databases (rs766695556, gnomAD 0.02%). This variant has not been reported in the literature in individuals affected with DNAH1-related conditions. ClinVar contains an entry for this variant (Variation ID: 2041553). An algorithm developed to predict the effect of missense changes on protein structure and function (PolyPhen-2) suggests that this variant is likely to be disruptive. In summary, the available evidence is currently insufficient to determine the role of this variant in disease. Therefore, it has been classified as a Variant of Uncertain Significance.

NM_015512.5(DNAH1):c.9494C>T (p.Thr3165Met)

Gene: DNAH1 (dynein axonemal heavy chain 1; plus strand). Cytogenetic location: 3p21.1.
Variant type: single nucleotide variant.
Coding change: c.9494C>T on transcript NM_015512.5 (MANE Select); coding-DNA position 9494, C replaced by T.
Protein change: p.Thr3165Met; replaces threonine 3165 with methionine.
Molecular consequence: missense variant.
Genome position (GRCh38, 1-based): chr3:52,388,936, C>T. VCF-style: chr3-52388936-C-T. GRCh37 (hg19) VCF-style: chr3-52422952-C-T.
Other names: short protein forms T3165M.
Identifiers: ClinVar variation 2041553 (VCV002041553.2), dbSNP rs766695556, ClinGen allele CA2435538.
Genomic context (GRCh38, chr3:52,388,936, plus strand): 5'-ACAACATCTCCGGCGATGTCCTGGTGGCCGCTGGCTTTGTGGCCTACCTGGGCCCCTTCA[C>T]GGTAAGAAGTCCCCACCTCTGTCTCTGACCAGCCTCGCCTTCCCAAAGAGACCCTTCCCC-3'
Protein context (NP_056327.4, residues 3155-3175): AGFVAYLGPF[Thr3165Met]GQYRTVLYDS